The following is an entry in ClinVar:

ClinVar aggregate classification (germline): Uncertain significance (1 of 4 stars; one submission).

Conditions:
Hereditary cancer-predisposing syndrome. Also called: Neoplastic Syndromes, Hereditary; Tumor predisposition; Hereditary Cancer Syndrome; Hereditary neoplastic syndrome. Identifiers: Orphanet 140162, MedGen C0027672, MeSH D009386, MONDO:0015356.

Submission:

Ambry Genetics
Classification: Uncertain significance for Hereditary cancer-predisposing syndrome. Last evaluated: 2024-09-19. Review status: criteria provided, single submitter. Criteria: Ambry Variant Classification Scheme 2023. Collection method: clinical testing. Allele origin: germline.
Comment: The p.S186N variant (also known as c.557G>A), located in coding exon 3 of the PTCH1 gene, results from a G to A substitution at nucleotide position 557. The serine at codon 186 is replaced by asparagine, an amino acid with highly similar properties. This amino acid position is conserved. In addition, the in silico prediction for this alteration is inconclusive. Based on the available evidence, the clinical significance of this variant remains unclear.

NM_000264.5(PTCH1):c.557G>A (p.Ser186Asn)

Gene: PTCH1 (patched 1; minus strand). Cytogenetic location: 9q22.32.
Variant type: single nucleotide variant.
Coding change: c.557G>A on transcript NM_000264.5 (MANE Select); coding-DNA position 557, G replaced by A.
Protein change: p.Ser186Asn; replaces serine 186 with asparagine.
Molecular consequence: missense variant. On other transcripts: non-coding transcript variant (1).
Genome position (GRCh38, 1-based): chr9:95,485,712, C>T on the plus strand (G>A on the coding strand, the complement: PTCH1 is on the minus strand). VCF-style: chr9-95485712-C-T. GRCh37 (hg19) VCF-style: chr9-98247994-C-T.
Other names: c.359G>A, p.Ser120Asn (NM_001083602.3, NM_001354919.2); c.554G>A, p.Ser185Asn (NM_001083603.3); c.104G>A, p.Ser35Asn (NM_001083604.3, NM_001083605.3, NM_001083606.3 and 1 more transcripts); c.557G>A, p.Ser186Asn (NM_001354918.2); short protein forms S120N, S185N, S186N, S35N.
Identifiers: ClinVar variation 3427286 (VCV003427286.1).